The following is an entry in ClinVar:

ClinVar aggregate classification (germline): Uncertain significance (1 of 4 stars; one submission).

Conditions:
CA5A-related disorder. Also called: CA5A-related condition.

Submission:

PreventionGenetics, part of Exact Sciences
Classification: Uncertain significance for CA5A-related condition. Last evaluated: 2025-05-02. Review status: criteria provided, single submitter. Criteria: ACMG Guidelines, 2015. Collection method: clinical testing. Allele origin: germline.
Comment: The CA5A c.585G>T variant is predicted to result in the amino acid substitution p.Arg195Ser. To our knowledge, this variant has not been reported in the literature or in a large population database (gnomAD), indicating this variant is rare. At this time, the clinical significance of this variant is uncertain due to the absence of conclusive functional and genetic evidence.

NM_001739.2(CA5A):c.585G>T (p.Arg195Ser)

Gene: CA5A (carbonic anhydrase 5A; minus strand). Cytogenetic location: 16q24.2.
Variant type: single nucleotide variant.
Coding change: c.585G>T on transcript NM_001739.2 (MANE Select); coding-DNA position 585, G replaced by T.
Protein change: p.Arg195Ser; replaces arginine 195 with serine.
Molecular consequence: missense variant. On other transcripts: non-coding transcript variant (2).
Genome position (GRCh38, 1-based): chr16:87,901,945, C>A on the plus strand (G>T on the coding strand, the complement: CA5A is on the minus strand). VCF-style: chr16-87901945-C-A. GRCh37 (hg19) VCF-style: chr16-87935551-C-A.
Other names: c.585G>T, p.Arg195Ser (NM_001367225.1); short protein forms R195S.
Identifiers: ClinVar variation 5000937 (VCV005000937.1).